The following is an entry in ClinVar:

NM_002972.4(SBF1):c.4658C>G (p.Ser1553Cys)

Gene: SBF1 (SET binding factor 1; minus strand). Cytogenetic location: 22q13.33.
Variant type: single nucleotide variant.
Coding change: c.4658C>G on transcript NM_002972.4 (MANE Select); coding-DNA position 4658, C replaced by G.
Protein change: p.Ser1553Cys; replaces serine 1553 with cysteine.
Molecular consequence: missense variant.
Genome position (GRCh38, 1-based): chr22:50,455,039, G>C on the plus strand (C>G on the coding strand, the complement: SBF1 is on the minus strand). VCF-style: chr22-50455039-G-C. GRCh37 (hg19) VCF-style: chr22-50893468-G-C.
Other names: c.4583C>G, p.Ser1528Cys (NM_001365819.1); c.4661C>G, p.Ser1554Cys (NM_001410794.1); c.4580C>G, p.Ser1527Cys (NM_001410795.1); short protein forms S1527C, S1528C, S1553C, S1554C.
Identifiers: ClinVar variation 3606566 (VCV003606566.2).

ClinVar aggregate classification (germline): Uncertain significance (1 of 4 stars; one submission).

Submission:

Labcorp Genetics (formerly Invitae), Labcorp
Classification: Uncertain significance. Last evaluated: 2024-10-24. Review status: criteria provided, single submitter. Criteria: Invitae Variant Classification Sherloc (09022015). Collection method: clinical testing. Allele origin: germline.
Comment: This sequence change replaces serine, which is neutral and polar, with cysteine, which is neutral and slightly polar, at codon 1553 of the SBF1 protein (p.Ser1553Cys). This variant is not present in population databases (gnomAD no frequency). This variant has not been reported in the literature in individuals affected with SBF1-related conditions. Invitae Evidence Modeling of protein sequence and biophysical properties (such as structural, functional, and spatial information, amino acid conservation, physicochemical variation, residue mobility, and thermodynamic stability) indicates that this missense variant is not expected to disrupt SBF1 protein function with a negative predictive value of 80%. In summary, the available evidence is currently insufficient to determine the role of this variant in disease. Therefore, it has been classified as a Variant of Uncertain Significance.